The following is an entry in ClinVar:

NM_006642.5(SDCCAG8):c.1357-6T>A

Gene: SDCCAG8 (SHH signaling and ciliogenesis regulator SDCCAG8; plus strand). Cytogenetic location: 1q43.
Variant type: single nucleotide variant.
Coding change: c.1357-6T>A on transcript NM_006642.5 (MANE Select); 6 bases into the intron before coding-DNA position 1357, T replaced by A.
Molecular consequence: intron variant.
Genome position (GRCh38, 1-based): chr1:243,344,209, T>A. VCF-style: chr1-243344209-T-A. GRCh37 (hg19) VCF-style: chr1-243507511-T-A.
Other names: c.1063-6T>A (NM_001350249.2); c.454-6T>A (NM_001350251.2, NM_001350246.2, NM_001350247.2); c.1453-6T>A (NM_001350248.2).
Identifiers: ClinVar variation 4998984 (VCV004998984.1).
Genomic context (GRCh38, chr1:243,344,209, plus strand): 5'-ATCTAATTGCAGGCATTGCCTGGTAGATTCCAGCAGGTAATCATCCAGTTTTTTACAATC[T>A]AACAGGTGTGTGGAGAAATGCGCTATCAGCTGAATAAAACCAACATGGAGAAGGATGAGG-3'

ClinVar aggregate classification (germline): Likely benign (1 of 4 stars; one submission).

Conditions:
SDCCAG8-related disorder. Also called: SDCCAG8-related condition; SDCCAG8-Related Disorders.

Submission:

PreventionGenetics, part of Exact Sciences
Classification: Likely benign for SDCCAG8-related condition. Last evaluated: 2026-08-05. Review status: criteria provided, single submitter. Criteria: ACMG Guidelines, 2015. Collection method: clinical testing. Allele origin: germline.
Comment: This variant is classified as likely benign based on ACMG/AMP sequence variant interpretation guidelines (Richards et al. 2015 PMID: 25741868, with internal and published modifications).